The following is an entry in ClinVar:

NM_000393.5(COL5A2):c.3995C>T (p.Thr1332Ile)

Gene: COL5A2 (collagen type V alpha 2 chain; minus strand). Cytogenetic location: 2q32.2.
Variant type: single nucleotide variant.
Coding change: c.3995C>T on transcript NM_000393.5 (MANE Select); coding-DNA position 3995, C replaced by T.
Protein change: p.Thr1332Ile; replaces threonine 1332 with isoleucine.
Molecular consequence: missense variant.
Genome position (GRCh38, 1-based): chr2:189,036,734, G>A on the plus strand (C>T on the coding strand, the complement: COL5A2 is on the minus strand). VCF-style: chr2-189036734-G-A. GRCh37 (hg19) VCF-style: chr2-189901460-G-A.
Other names: c.3995C>T (NM_000393.3); short protein forms T1332I.
Identifiers: ClinVar variation 4754345 (VCV004754345.2).

ClinVar aggregate classification (germline): Uncertain significance. Review status: criteria provided, multiple submitters, no conflicts (2 of 4 stars). 2 submissions from 2 submitters: Uncertain significance (2). Last evaluated 2026-05-18.

Conditions:
Familial thoracic aortic aneurysm and aortic dissection (TAAD). Also called: Thoracic aortic aneurysms and dissections. Identifiers: Orphanet 91387, MedGen C4707243, MONDO:0019625.
Ehlers-Danlos syndrome, classic type, 1 (EDSCL1). Also called: EHLERS-DANLOS SYNDROME, GRAVIS TYPE; EHLERS-DANLOS SYNDROME, SEVERE CLASSIC TYPE; Ehlers-Danlos syndrome, type 1; Ehlers-Danlos Syndrome, Classic Type, COL5A1-Related; EDS I. Identifiers: MedGen C0268335, MONDO:0019567, OMIM 130000.

gnomAD v4.1: 2 of 1,613,536 alleles (0.00012%); highest among the groups gnomAD compares: Middle Eastern, 0.016%; no homozygotes.

Submissions (2):

Ambry Genetics
Classification: Uncertain significance for Familial thoracic aortic aneurysm and aortic dissection. Last evaluated: 2026-05-18. Review status: criteria provided, single submitter. Criteria: Ambry Variant Classification Scheme 2023. Collection method: clinical testing. Allele origin: germline.
Comment: The p.T1332I variant (also known as c.3995C>T), located in coding exon 52 of the COL5A2 gene, results from a C to T substitution at nucleotide position 3995. The threonine at codon 1332 is replaced by isoleucine, an amino acid with similar properties. This amino acid position is conserved. In addition, the in silico prediction for this alteration is inconclusive. Based on the available evidence, the clinical significance of this variant remains unclear.

Labcorp Genetics (formerly Invitae), Labcorp
Classification: Uncertain significance for Ehlers-Danlos syndrome, classic type, 1. Last evaluated: 2025-12-10. Review status: criteria provided, single submitter. Criteria: Invitae Variant Classification Sherloc (09022015). Collection method: clinical testing. Allele origin: germline.
Comment: This sequence change replaces threonine, which is neutral and polar, with isoleucine, which is neutral and non-polar, at codon 1332 of the COL5A2 protein (p.Thr1332Ile). The frequency data for this variant in the population databases is considered unreliable, as metrics indicate poor data quality at this position in the gnomAD database. This variant has not been reported in the literature in individuals affected with COL5A2-related conditions. Invitae Evidence Modeling of protein sequence and biophysical properties (such as structural, functional, and spatial information, amino acid conservation, physicochemical variation, residue mobility, and thermodynamic stability) indicates that this missense variant is not expected to disrupt COL5A2 protein function with a negative predictive value of 80%. In summary, the available evidence is currently insufficient to determine the role of this variant in disease. Therefore, it has been classified as a Variant of Uncertain Significance.